The following is an entry in ClinVar:

ClinVar aggregate classification (germline): Uncertain significance (1 of 4 stars; one submission).

Allele frequency attached by ClinVar (database versions not stated): ExAC 0.00001.

Submission:

Labcorp Genetics (formerly Invitae), Labcorp
Classification: Uncertain significance. Last evaluated: 2024-12-09. Review status: criteria provided, single submitter. Criteria: Invitae Variant Classification Sherloc (09022015). Collection method: clinical testing. Allele origin: germline.
Comment: This sequence change replaces leucine, which is neutral and non-polar, with arginine, which is basic and polar, at codon 1433 of the MAST1 protein (p.Leu1433Arg). This variant is present in population databases (rs749629070, gnomAD 0.009%). This variant has not been reported in the literature in individuals affected with MAST1-related conditions. ClinVar contains an entry for this variant (Variation ID: 2043929). An algorithm developed to predict the effect of missense changes on protein structure and function (PolyPhen-2) suggests that this variant is likely to be tolerated. In summary, the available evidence is currently insufficient to determine the role of this variant in disease. Therefore, it has been classified as a Variant of Uncertain Significance.

NM_014975.3(MAST1):c.4298T>G (p.Leu1433Arg)

Gene: MAST1 (microtubule associated serine/threonine kinase 1; plus strand). Cytogenetic location: 19p13.13.
Variant type: single nucleotide variant.
Coding change: c.4298T>G on transcript NM_014975.3 (MANE Select); coding-DNA position 4298, T replaced by G.
Protein change: p.Leu1433Arg; replaces leucine 1433 with arginine.
Molecular consequence: missense variant.
Genome position (GRCh38, 1-based): chr19:12,874,455, T>G. VCF-style: chr19-12874455-T-G. GRCh37 (hg19) VCF-style: chr19-12985269-T-G.
Other names: short protein forms L1433R.
Identifiers: ClinVar variation 2043929 (VCV002043929.4), dbSNP rs749629070, ClinGen allele CA9233545.